The following is an entry in ClinVar:

NM_020821.3(VPS13C):c.6972A>G (p.Leu2324=)

Gene: VPS13C (vacuolar protein sorting 13 homolog C; minus strand). Cytogenetic location: 15q22.2.
Variant type: single nucleotide variant.
Coding change: c.6972A>G on transcript NM_020821.3 (MANE Select); coding-DNA position 6972, A replaced by G.
Protein change: p.Leu2324=; no amino-acid change (leucine 2324 retained).
Molecular consequence: synonymous variant.
Genome position (GRCh38, 1-based): chr15:61,922,400, T>C on the plus strand (A>G on the coding strand, the complement: VPS13C is on the minus strand). VCF-style: chr15-61922400-T-C. GRCh37 (hg19) VCF-style: chr15-62214599-T-C.
Other names: p.Leu2324=; c.6972A>G, p.Leu2324= (NM_001018088.3); c.6843A>G, p.Leu2281= (NM_017684.5, NM_018080.4).
Identifiers: ClinVar variation 3033061 (VCV003033061.3), dbSNP rs144049173, ClinGen allele CA7595419.

ClinVar aggregate classification (germline): Likely benign. Review status: criteria provided, single submitter (1 of 4 stars). 2 submissions from 2 submitters: Likely benign (1). 1 of the submissions does not count toward it. Last evaluated 2025-09-21.

Conditions:
VPS13C-related disorder. Also called: VPS13C-related condition.

Allele frequency attached by ClinVar (database versions not stated): gnomAD 0.00001; ExAC 0.00002; gnomAD exomes 0.00001; TOPMed 0.00002; ESP Exome Variant Server 0.00008.
gnomAD v4.1: 12 of 1,611,914 alleles (0.00074%); highest among the groups gnomAD compares: African/African-American, 0.0013%; no homozygotes.

Submissions (2):

Mayo Clinic Laboratories, Mayo Clinic
Classification: Likely benign. Last evaluated: 2025-09-21. Review status: criteria provided, single submitter. Criteria: ACMG Guidelines, 2015. Collection method: clinical testing. Allele origin: germline. Observed: 1 variant allele.
Comment: BP4, BP7

PreventionGenetics, part of Exact Sciences
Classification: Likely benign for VPS13C-related condition. Last evaluated: 2020-10-23. Review status: no assertion criteria provided. Collection method: clinical testing. Allele origin: germline. Not counted in ClinVar's aggregate classification.
Comment: This variant is classified as likely benign based on ACMG/AMP sequence variant interpretation guidelines (Richards et al. 2015 PMID: 25741868, with internal and published modifications).